The following is an entry in ClinVar:

ClinVar aggregate classification (germline): Uncertain significance (1 of 4 stars; one submission).

Submission:

CeGaT Center for Human Genetics Tuebingen
Classification: Uncertain significance. Last evaluated: 2024-12-01. Review status: criteria provided, single submitter. Criteria: CeGaT Center For Human Genetics Tuebingen Variant Classification Criteria Version 2. Collection method: clinical testing. Allele origin: germline. Affected: yes. Observed: 1 variant allele.
Comment: NSD1: PM2, BP1

NM_022455.5(NSD1):c.1004C>A (p.Pro335Gln)

Gene: NSD1 (nuclear receptor binding SET domain protein 1; plus strand). Cytogenetic location: 5q35.3.
Variant type: single nucleotide variant.
Coding change: c.1004C>A on transcript NM_022455.5 (MANE Select); coding-DNA position 1004, C replaced by A.
Protein change: p.Pro335Gln; replaces proline 335 with glutamine.
Molecular consequence: missense variant.
Genome position (GRCh38, 1-based): chr5:177,191,960, C>A. VCF-style: chr5-177191960-C-A. GRCh37 (hg19) VCF-style: chr5-176618961-C-A.
Other names: c.131C>A, p.Pro44Gln (NM_001365684.2, NM_001409305.1, NM_001409306.1 and 4 more transcripts); c.1004C>A, p.Pro335Gln (NM_001409301.1, NM_001409302.1, NM_001409303.1); c.584C>A, p.Pro195Gln (NM_001409304.1); short protein forms P195Q, P335Q, P44Q.
Identifiers: ClinVar variation 3771004 (VCV003771004.13).